The following is an entry in ClinVar:

ClinVar aggregate classification (germline): Benign. Review status: criteria provided, single submitter (1 of 4 stars). 2 submissions from 1 submitter: Benign (2). Last evaluated 2018-01-12.

Conditions:
Alternating hemiplegia of childhood 1 (AHC1). Identifiers: Orphanet 2131, MedGen C3549447, MONDO:0007087, OMIM 104290.
Migraine, familial hemiplegic, 2. Identifiers: Orphanet 569, MedGen C1865322, MONDO:0011232, OMIM 602481.

Allele frequency attached by ClinVar (database versions not stated): 1000 Genomes Project 0.00040; 1000 Genomes Project 30x 0.00047; TOPMed 0.00120; gnomAD 0.00121 and 0.00126.

Submissions (2):

Illumina Laboratory Services, Illumina
Classification: Benign for Migraine, familial hemiplegic, 2. Last evaluated: 2018-01-12. Review status: criteria provided, single submitter. Criteria: ICSL Variant Classification Criteria 13 December 2019. Collection method: clinical testing. Allele origin: germline.
Comment: This variant was observed in the ICSL laboratory as part of a predisposition screen in an ostensibly healthy population. It had not been previously curated by ICSL or reported in the Human Gene Mutation Database (HGMD: prior to June 1st, 2018), and was therefore a candidate for classification through an automated scoring system. Utilizing variant allele frequency, disease prevalence and penetrance estimates, and inheritance mode, an automated score was calculated to assess if this variant is too frequent to cause the disease. Based on the score and internal cut-off values, a variant classified as benign is not then subjected to further curation. The score for this variant resulted in a classification of benign for this disease.

Illumina Laboratory Services, Illumina
Classification: Benign for Alternating hemiplegia of childhood 1. Last evaluated: 2018-01-12. Review status: criteria provided, single submitter. Criteria: ICSL Variant Classification Criteria 13 December 2019. Collection method: clinical testing. Allele origin: germline.
Comment: the same text as in the submission from Illumina Laboratory Services, Illumina above.

NM_000702.4(ATP1A2):c.*1212G>C

Gene: ATP1A2 (ATPase Na+/K+ transporting subunit alpha 2; plus strand). Cytogenetic location: 1q23.2.
Variant type: single nucleotide variant.
Coding change: c.*1212G>C on transcript NM_000702.4 (MANE Select); 1212 bases downstream of the stop codon, G replaced by C.
Molecular consequence: 3 prime UTR variant.
Genome position (GRCh38, 1-based): chr1:160,142,534, G>C. VCF-style: chr1-160142534-G-C. GRCh37 (hg19) VCF-style: chr1-160112324-G-C.
Identifiers: ClinVar variation 293165 (VCV000293165.5), dbSNP rs558677583, ClinGen allele CA10608484.
Genomic context (GRCh38, chr1:160,142,534, plus strand): 5'-ACATGGTCAGAACCTTTGGACAAGAGGAAAAATACTAAGAGATTTGCTTTTTCTGGGTGC[G>C]GTGGCTCATGCCTGTAATCCCAGCACTTTGGGAGGCCGAGGCAGGTGGATCATGAGGTCA-3'